The following is an entry in ClinVar:

NM_017612.5(ZCCHC8):c.243-11T>G

Gene: ZCCHC8 (zinc finger CCHC-type containing 8; minus strand). Cytogenetic location: 12q24.31.
Variant type: single nucleotide variant.
Coding change: c.243-11T>G on transcript NM_017612.5 (MANE Select); 11 bases into the intron before coding-DNA position 243, T replaced by G.
Molecular consequence: intron variant.
Genome position (GRCh38, 1-based): chr12:122,492,800, A>C on the plus strand (T>G on the coding strand, the complement: ZCCHC8 is on the minus strand). VCF-style: chr12-122492800-A-C. GRCh37 (hg19) VCF-style: chr12-122977347-A-C.
Other names: c.-196-11T>G (NM_001350938.2); c.243-11T>G (NM_001350935.2); c.-302-11T>G (NM_001350937.2); c.-55-11T>G (NM_001350936.2).
Identifiers: ClinVar variation 2875072 (VCV002875072.3), dbSNP rs773893626, ClinGen allele CA6846489.

ClinVar aggregate classification (germline): Uncertain significance (1 of 4 stars; one submission).

Allele frequency attached by ClinVar (database versions not stated): ExAC 0.00004; gnomAD 0.00001.
gnomAD v4.1: 10 of 1,487,104 alleles (0.00067%); highest among the groups gnomAD compares: Non-Finnish European, 0.00092%; no homozygotes.

Submission:

Labcorp Genetics (formerly Invitae), Labcorp
Classification: Uncertain significance. Last evaluated: 2025-11-04. Review status: criteria provided, single submitter. Criteria: Invitae Variant Classification Sherloc (09022015). Collection method: clinical testing. Allele origin: germline.
Comment: This sequence change falls in intron 2 of the ZCCHC8 gene. It does not directly change the encoded amino acid sequence of the ZCCHC8 protein. This variant is present in population databases (rs773893626, gnomAD 0.005%). This variant has not been reported in the literature in individuals affected with ZCCHC8-related conditions. ClinVar contains an entry for this variant (Variation ID: 2875072). Algorithms developed to predict the effect of sequence changes on RNA splicing suggest that this variant may disrupt the consensus splice site. In summary, the available evidence is currently insufficient to determine the role of this variant in disease. Therefore, it has been classified as a Variant of Uncertain Significance.